The following is an entry in ClinVar:

ClinVar aggregate classification (germline): Uncertain significance. Review status: criteria provided, multiple submitters, no conflicts (2 of 4 stars). 5 submissions from 4 submitters: Uncertain significance (4). 1 of the submissions does not count toward it. Last evaluated 2026-09-28.

Conditions:
Retinitis pigmentosa 39 (RP39). Identifiers: Orphanet 791, MedGen C3151138, MONDO:0013436, OMIM 613809.
Usher syndrome type 2A. Also called: RETINAL DISEASE IN USHER SYNDROME TYPE IIA, MODIFIER OF; USHER SYNDROME, TYPE IIA. Identifiers: Orphanet 231178, Orphanet 886, MedGen C1848634, MONDO:0010169, OMIM 276901.

Submissions (5):

GeneDx
Classification: Uncertain significance. Last evaluated: 2026-09-28. Review status: criteria provided, single submitter. Criteria: GeneDx Variant Classification Process June 2021. Collection method: clinical testing. Allele origin: germline.
Comment: Not observed at significant frequency in large population cohorts (gnomAD); Has not been previously published as pathogenic or benign to our knowledge; In silico analysis supports a deleterious effect on splicing

Genome-Nilou Lab
Classification: Uncertain significance for Retinitis pigmentosa 39. Last evaluated: 2023-04-11. Review status: criteria provided, single submitter. Criteria: ACMG Guidelines, 2015. Collection method: clinical testing. Allele origin: germline. Affected: no.

Genome-Nilou Lab
Classification: Uncertain significance for Usher syndrome type 2A. Last evaluated: 2023-04-11. Review status: criteria provided, single submitter. Criteria: ACMG Guidelines, 2015. Collection method: clinical testing. Allele origin: germline. Affected: no.

Labcorp Genetics (formerly Invitae), Labcorp
Classification: Uncertain significance. Last evaluated: 2022-05-04. Review status: criteria provided, single submitter. Criteria: Invitae Variant Classification Sherloc (09022015). Collection method: clinical testing. Allele origin: germline.
Comment: This sequence change falls in intron 70 of the USH2A gene. It does not directly change the encoded amino acid sequence of the USH2A protein. It affects a nucleotide within the consensus splice site. This variant is not present in population databases (gnomAD no frequency). This variant has not been reported in the literature in individuals affected with USH2A-related conditions. ClinVar contains an entry for this variant (Variation ID: 553864). Variants that disrupt the consensus splice site are a relatively common cause of aberrant splicing (PMID: 17576681, 9536098). Algorithms developed to predict the effect of sequence changes on RNA splicing suggest that this variant may create or strengthen a splice site. In summary, the available evidence is currently insufficient to determine the role of this variant in disease. Therefore, it has been classified as a Variant of Uncertain Significance.

Counsyl
Classification: Uncertain significance for Usher syndrome type 2A; Retinitis pigmentosa 39. Last evaluated: 2017-09-15. Review status: no assertion criteria provided. Collection method: clinical testing. Allele origin: unknown. Not counted in ClinVar's aggregate classification.

Literature cited by the submitters: PubMed 17576681 (cited by Labcorp Genetics (formerly Invitae), Labcorp); PubMed 9536098 (cited by Labcorp Genetics (formerly Invitae), Labcorp).

NM_206933.4(USH2A):c.15298-18_15301dup

Gene: USH2A (usherin; minus strand). Cytogenetic location: 1q41.
Variant type: Duplication.
Coding change: c.15298-18_15301dup on transcript NM_206933.4 (MANE Select); 18 bases into the intron before coding-DNA position 15298 through coding-DNA position 15301, 22 bases duplicated (CAGCAACTTCCTTCTCAGGGGT).
Molecular consequence: splice acceptor variant.
Genome position (GRCh38, 1-based): chr1:215,629,032-215,629,053, ACCCCTGAGAAGGAAGTTGCTG duplicated on the plus strand (CAGCAACTTCCTTCTCAGGGGT on the coding strand, the reverse complement: USH2A is on the minus strand). VCF-style (leftmost placement, unchanged base first): chr1-215629031-A-AACCCCTGAGAAGGAAGTTGCTG. GRCh37 (hg19) VCF-style: chr1-215802373-A-AACCCCTGAGAAGGAAGTTGCTG.
Identifiers: ClinVar variation 553864 (VCV000553864.7), dbSNP rs1553248238, ClinGen allele CA658822249.